The following is an entry in ClinVar:

ClinVar aggregate classification (germline): Uncertain significance (1 of 4 stars; one submission).

Conditions:
SLC27A5-related disorder. Also called: SLC27A5-related condition.

Submission:

PreventionGenetics, part of Exact Sciences
Classification: Uncertain significance for SLC27A5-related condition. Last evaluated: 2026-03-23. Review status: criteria provided, single submitter. Criteria: ACMG Guidelines, 2015. Collection method: clinical testing. Allele origin: germline.
Comment: The SLC27A5 c.466G>A variant is predicted to result in the amino acid substitution p.Ala156Thr. To our knowledge, this variant has not been reported in the literature or in a large population database (gnomAD), indicating this variant is rare. At this time, the clinical significance of this variant is uncertain due to the absence of conclusive functional and genetic evidence.

NM_012254.3(SLC27A5):c.466G>A (p.Ala156Thr)

Gene: SLC27A5 (solute carrier family 27 member 5; minus strand). Cytogenetic location: 19q13.43.
Variant type: single nucleotide variant.
Coding change: c.466G>A on transcript NM_012254.3 (MANE Select); coding-DNA position 466, G replaced by A.
Protein change: p.Ala156Thr; replaces alanine 156 with threonine.
Molecular consequence: missense variant. On other transcripts: intron variant (1).
Genome position (GRCh38, 1-based): chr19:58,511,490, C>T on the plus strand (G>A on the coding strand, the complement: SLC27A5 is on the minus strand). VCF-style: chr19-58511490-C-T. GRCh37 (hg19) VCF-style: chr19-59022857-C-T.
Other names: c.436+30G>A (NM_001321196.2); short protein forms A156T.
Identifiers: ClinVar variation 4993682 (VCV004993682.1).